The following is an entry in ClinVar:

NM_006610.4(MASP2):c.729C>T (p.Tyr243=)

Gene: MASP2 (MBL associated serine protease 2; minus strand). Cytogenetic location: 1p36.22.
Variant type: single nucleotide variant.
Coding change: c.729C>T on transcript NM_006610.4 (MANE Select); coding-DNA position 729, C replaced by T.
Protein change: p.Tyr243=; no amino-acid change (tyrosine 243 retained).
Molecular consequence: synonymous variant.
Genome position (GRCh38, 1-based): chr1:11,043,351, G>A on the plus strand (C>T on the coding strand, the complement: MASP2 is on the minus strand). VCF-style: chr1-11043351-G-A. GRCh37 (hg19) VCF-style: chr1-11103408-G-A.
Identifiers: ClinVar variation 291795 (VCV000291795.8), dbSNP rs7536030, ClinGen allele CA586961.

ClinVar aggregate classification (germline): Benign/Likely benign. Review status: criteria provided, multiple submitters, no conflicts (2 of 4 stars). 4 submissions from 4 submitters: Benign (3); Likely benign (1). Last evaluated 2026-01-21.

Conditions:
Immunodeficiency due to MASP-2 deficiency. Also called: MASP2 deficiency; LECTIN COMPLEMENT ACTIVATION PATHWAY, DEFECT IN, 2. Identifiers: Orphanet 331187, MedGen C3151085, MONDO:0013423, OMIM 613791.

Allele frequency attached by ClinVar (database versions not stated): gnomAD exomes 0.00861 and 0.02064; ExAC 0.03506; 1000 Genomes Project 0.07328; gnomAD 0.07587 and 0.08173; 1000 Genomes Project 30x 0.07714; ESP Exome Variant Server 0.08269; TOPMed 0.08595.
gnomAD v4.1: 24,632 of 1,606,740 alleles (1.5%); highest among the groups gnomAD compares: African/African-American, 26%; 2,713 homozygotes.

Submissions (4):

Women's Health and Genetics/Laboratory Corporation of America, LabCorp
Classification: Benign. Last evaluated: 2026-01-21. Review status: criteria provided, single submitter. Criteria: LabCorp Variant Classification Summary - May 2015. Collection method: clinical testing. Allele origin: germline.

Blueprint Genetics
Classification: Likely benign. Last evaluated: 2024-11-26. Review status: criteria provided, single submitter. Criteria: ACMG Guidelines, 2015. Collection method: clinical testing. Allele origin: germline.

Illumina Laboratory Services, Illumina
Classification: Benign for Immunodeficiency due to MASP-2 deficiency. Last evaluated: 2018-01-13. Review status: criteria provided, single submitter. Criteria: ICSL Variant Classification Criteria 13 December 2019. Collection method: clinical testing. Allele origin: germline.
Comment: This variant was observed in the ICSL laboratory as part of a predisposition screen in an ostensibly healthy population. It had not been previously curated by ICSL or reported in the Human Gene Mutation Database (HGMD: prior to June 1st, 2018), and was therefore a candidate for classification through an automated scoring system. Utilizing variant allele frequency, disease prevalence and penetrance estimates, and inheritance mode, an automated score was calculated to assess if this variant is too frequent to cause the disease. Based on the score and internal cut-off values, a variant classified as benign is not then subjected to further curation. The score for this variant resulted in a classification of benign for this disease.

Breakthrough Genomics
Classification: Benign. Review status: criteria provided, single submitter. Criteria: ACMG Guidelines, 2015. Collection method: not provided. Allele origin: germline. Inheritance: Autosomal recessive inheritance. Affected: yes.